The following is an entry in ClinVar:

NM_000263.4(NAGLU):c.1025del (p.Asp342fs)

Gene: NAGLU (N-acetyl-alpha-glucosaminidase; plus strand). Cytogenetic location: 17q21.2.
Variant type: Deletion.
Coding change: c.1025del on transcript NM_000263.4 (MANE Select); coding-DNA position 1025, one base deleted (A; older notation c.1025delA).
Protein change: p.Asp342fs; shifts the reading frame from aspartic acid 342.
Molecular consequence: frameshift variant.
Genome position (GRCh38, 1-based): chr17:42,543,031, A deleted. VCF-style (leftmost placement, unchanged base first): chr17-42543030-GA-G. GRCh37 (hg19) VCF-style: chr17-40695048-GA-G.
Other names: short protein forms D342fs.
Identifiers: ClinVar variation 2939060 (VCV002939060.3), dbSNP rs2510658578, ClinGen allele CA2740095365.

ClinVar aggregate classification (germline): Pathogenic (1 of 4 stars; one submission).

Conditions:
Charcot-Marie-Tooth disease axonal type 2V. Also called: CHARCOT-MARIE-TOOTH NEUROPATHY, TYPE 2V; CHARCOT-MARIE-TOOTH DISEASE, AXONAL, AUTOSOMAL DOMINANT, TYPE 2V. Identifiers: Orphanet 447964, MedGen C5569050, MONDO:0014665, OMIM 616491.
Mucopolysaccharidosis, MPS-III-B (MPS3B). Also called: N-ACETYL-ALPHA-D-GLUCOSAMINIDASE DEFICIENCY; NAGLU DEFICIENCY; SANFILIPPO SYNDROME B; MPS III B; Mucopolysaccharidosis type IIIB (Sanfilippo B); MUCOPOLYSACCHARIDOSIS, TYPE IIIB. Identifiers: Orphanet 79270, MedGen C0086648, MONDO:0009656, OMIM 252920.

Submission:

Labcorp Genetics (formerly Invitae), Labcorp
Classification: Pathogenic for Charcot-Marie-Tooth disease axonal type 2V; Mucopolysaccharidosis, MPS-III-B. Last evaluated: 2023-11-10. Review status: criteria provided, single submitter. Criteria: Invitae Variant Classification Sherloc (09022015). Collection method: clinical testing. Allele origin: germline.
Comment: This sequence change creates a premature translational stop signal (p.Asp342Valfs*79) in the NAGLU gene. While this is not anticipated to result in nonsense mediated decay, it is expected to disrupt the last 402 amino acid(s) of the NAGLU protein. This variant is not present in population databases (gnomAD no frequency). This variant has not been reported in the literature in individuals affected with NAGLU-related conditions. This variant disrupts a region of the NAGLU protein in which other variant(s) (p.Gln706*) have been determined to be pathogenic (PMID: 9443875, 29661560; Invitae). This suggests that this is a clinically significant region of the protein, and that variants that disrupt it are likely to be disease-causing. For these reasons, this variant has been classified as Pathogenic.

Literature cited by the submitters: PubMed 9443875; PubMed 29661560.